The following is an entry in ClinVar:

ClinVar aggregate classification (germline): Uncertain significance (1 of 4 stars; one submission).

Allele frequency attached by ClinVar (database versions not stated): gnomAD exomes below 0.00001.
gnomAD v4.1: 1 of 1,611,992 alleles (0.000062%); highest among the groups gnomAD compares: Non-Finnish European, 0.000085%; no homozygotes.

Submission:

Labcorp Genetics (formerly Invitae), Labcorp
Classification: Uncertain significance. Last evaluated: 2022-08-10. Review status: criteria provided, single submitter. Criteria: Invitae Variant Classification Sherloc (09022015). Collection method: clinical testing. Allele origin: germline.
Comment: In summary, the available evidence is currently insufficient to determine the role of this variant in disease. Therefore, it has been classified as a Variant of Uncertain Significance. Algorithms developed to predict the effect of missense changes on protein structure and function are either unavailable or do not agree on the potential impact of this missense change (SIFT: "Tolerated"; PolyPhen-2: "Possibly Damaging"; Align-GVGD: "Class C0"). ClinVar contains an entry for this variant (Variation ID: 1478900). This variant has not been reported in the literature in individuals affected with PTPN23-related conditions. This variant is not present in population databases (gnomAD no frequency). This sequence change replaces glutamine, which is neutral and polar, with lysine, which is basic and polar, at codon 1309 of the PTPN23 protein (p.Gln1309Lys).

NM_015466.4(PTPN23):c.3925C>A (p.Gln1309Lys)

Gene: PTPN23 (protein tyrosine phosphatase non-receptor type 23; plus strand). Cytogenetic location: 3p21.31.
Variant type: single nucleotide variant.
Coding change: c.3925C>A on transcript NM_015466.4 (MANE Select); coding-DNA position 3925, C replaced by A.
Protein change: p.Gln1309Lys; replaces glutamine 1309 with lysine.
Molecular consequence: missense variant.
Genome position (GRCh38, 1-based): chr3:47,411,819, C>A. VCF-style: chr3-47411819-C-A. GRCh37 (hg19) VCF-style: chr3-47453309-C-A.
Other names: c.3547C>A, p.Gln1183Lys (NM_001304482.2); short protein forms Q1309K, Q1183K.
Identifiers: ClinVar variation 1478900 (VCV001478900.6), dbSNP rs1186383753, ClinGen allele CA352564648.